The following is an entry in ClinVar:

ClinVar aggregate classification (germline): Uncertain significance. Review status: criteria provided, multiple submitters, no conflicts (2 of 4 stars). 4 submissions from 4 submitters: Uncertain significance (4). Last evaluated 2025-08-13.

Conditions:
Hereditary cancer-predisposing syndrome. Also called: Neoplastic Syndromes, Hereditary; Hereditary Cancer Syndrome; Hereditary neoplastic syndrome; Tumor predisposition. Identifiers: Orphanet 140162, MedGen C0027672, MeSH D009386, MONDO:0015356.
Multiple endocrine neoplasia, type 2 (MEN2). Identifiers: Orphanet 653, MedGen C4048306, MONDO:0019003. Disease mechanism: gain of function.

Allele frequency attached by ClinVar (database versions not stated): gnomAD exomes below 0.00001; TOPMed below 0.00001; ExAC 0.00001.
gnomAD v4.1: 4 of 1,609,376 alleles (0.00025%); highest among the groups gnomAD compares: South Asian, 0.0011%; no homozygotes.

Submissions (4):

Labcorp Genetics (formerly Invitae), Labcorp
Classification: Uncertain significance for Multiple endocrine neoplasia, type 2. Last evaluated: 2025-08-13. Review status: criteria provided, single submitter. Criteria: Invitae Variant Classification Sherloc (09022015). Collection method: clinical testing. Allele origin: germline.
Comment: This sequence change replaces glycine, which is neutral and non-polar, with serine, which is neutral and polar, at codon 810 of the RET protein (p.Gly810Ser). This variant is present in population databases (rs764784013, gnomAD 0.003%). This variant has not been reported in the literature in individuals affected with RET-related conditions. ClinVar contains an entry for this variant (Variation ID: 543739). An algorithm developed to predict the effect of missense changes on protein structure and function (PolyPhen-2) suggests that this variant is likely to be disruptive. In summary, the available evidence is currently insufficient to determine the role of this variant in disease. Therefore, it has been classified as a Variant of Uncertain Significance.

Color Diagnostics, LLC DBA Color Health
Classification: Uncertain significance for Multiple endocrine neoplasia, type 2. Last evaluated: 2025-06-30. Review status: criteria provided, single submitter. Criteria: ACMG Guidelines, 2015. Collection method: clinical testing. Allele origin: germline.
Comment: This missense variant replaces glycine with serine at codon 810 of the RET protein. Computational prediction suggests that this variant may have deleterious impact on protein structure and function. Functional studies have found that this variant conferred resistance to tyrosine kinase inhibitors, Selpercatinib, Pralsetinib and Vandetanib (PMID: 29908090, 31988000, 33161056), and this variant also has been found as an acquired somatic mutation in Selpercatinib-resistant non-small cell lung cancer and medullary thyroid cancer (PMID: 31988000, 32664802, 37835559). To our knowledge, this variant has not been identified as a germline mutation in individuals affected with RET-related disorder in the literature. This variant has been identified in 1/239128 chromosomes in the general population by the Genome Aggregation Database (gnomAD). Although this variant as an acquired somatic mutation has been linked to resistance to some tyrosine kinase inhibitors, the available evidence is insufficient to determine the role of this variant as a germline variant in disease onset. Therefore, this variant is classified as a Variant of Uncertain Significance.

Quest Diagnostics Nichols Institute San Juan Capistrano
Classification: Uncertain significance. Last evaluated: 2023-12-12. Review status: criteria provided, single submitter. Criteria: Quest Diagnostics criteria. Collection method: clinical testing. Allele origin: unknown.

Ambry Genetics
Classification: Uncertain significance for Hereditary cancer-predisposing syndrome. Last evaluated: 2023-01-11. Review status: criteria provided, single submitter. Criteria: Ambry Variant Classification Scheme 2023. Collection method: clinical testing. Allele origin: germline.
Comment: The p.G810S variant (also known as c.2428G>A), located in coding exon 14 of the RET gene, results from a G to A substitution at nucleotide position 2428. The glycine at codon 810 is replaced by serine, an amino acid with similar properties. This amino acid position is highly conserved in available vertebrate species. In addition, this alteration is predicted to be deleterious by in silico analysis. Since supporting evidence is limited at this time, the clinical significance of this alteration remains unclear.

Literature cited by the submitters: PubMed 29908090 (cited by Color Diagnostics, LLC DBA Color Health and Quest Diagnostics Nichols Institute San Juan Capistrano); PubMed 31988000 (cited by Color Diagnostics, LLC DBA Color Health and Quest Diagnostics Nichols Institute San Juan Capistrano); PubMed 32664802 (cited by Color Diagnostics, LLC DBA Color Health); PubMed 33161056 (cited by Color Diagnostics, LLC DBA Color Health and Quest Diagnostics Nichols Institute San Juan Capistrano); PubMed 37835559 (cited by Color Diagnostics, LLC DBA Color Health); PubMed 33007380 (cited by Quest Diagnostics Nichols Institute San Juan Capistrano); PubMed 34099825 (cited by Quest Diagnostics Nichols Institute San Juan Capistrano).

NM_020975.6(RET):c.2428G>A (p.Gly810Ser)

Gene: RET (ret proto-oncogene; plus strand). Cytogenetic location: 10q11.21.
Variant type: single nucleotide variant.
Coding change: c.2428G>A on transcript NM_020975.6 (MANE Select); coding-DNA position 2428, G replaced by A.
Protein change: p.Gly810Ser; replaces glycine 810 with serine.
Molecular consequence: missense variant.
Genome position (GRCh38, 1-based): chr10:43,119,566, G>A. VCF-style: chr10-43119566-G-A. GRCh37 (hg19) VCF-style: chr10-43615014-G-A.
Other names: c.2428G>A, p.Gly810Ser (NM_000323.2, NM_001406743.1, NM_001406744.1 and 4 more transcripts); c.1666G>A, p.Gly556Ser (NM_001355216.2); c.2299G>A, p.Gly767Ser (NM_001406761.1, NM_001406762.1, NM_001406764.1); c.2293G>A, p.Gly765Ser (NM_001406763.1, NM_001406765.1); c.2140G>A, p.Gly714Ser (NM_001406766.1, NM_001406767.1, NM_001406770.1); c.2164G>A, p.Gly722Ser (NM_001406768.1); c.2032G>A, p.Gly678Ser (NM_001406769.1, NM_001406772.1); c.1990G>A, p.Gly664Ser (NM_001406771.1, NM_001406773.1); and 10 more; short protein forms G810S, G556S, G466S, G511S, G678S, G471S, G714S, G765S.
Identifiers: ClinVar variation 543739 (VCV000543739.17), dbSNP rs764784013, ClinGen allele CA039212.